The following is an entry in ClinVar:

NM_001081.4(CUBN):c.5982G>A (p.Pro1994=)

Gene: CUBN (cubilin; minus strand). Cytogenetic location: 10p13.
Variant type: single nucleotide variant.
Coding change: c.5982G>A on transcript NM_001081.4 (MANE Select); coding-DNA position 5982, G replaced by A.
Protein change: p.Pro1994=; no amino-acid change (proline 1994 retained).
Molecular consequence: synonymous variant.
Genome position (GRCh38, 1-based): chr10:16,933,229, C>T on the plus strand (G>A on the coding strand, the complement: CUBN is on the minus strand). VCF-style: chr10-16933229-C-T. GRCh37 (hg19) VCF-style: chr10-16975228-C-T.
Identifiers: ClinVar variation 1401828 (VCV001401828.7), dbSNP rs560009723, ClinGen allele CA5423835.
Genomic context (GRCh38, chr10:16,933,229, plus strand): 5'-GTCGGGAGCCTGGATGAGCCACGTACAGTCCACTCTATTACTGTAACTGTCAGGCCAGCC[C>T]GGGGAGAAGAGAAACACGGGTGCATCTCCCGTCCTCAGGAAGCCACCACAAGCACCTGTA-3'
Protein context (NP_001072.2, residues 1984-2004): TGDAPVFLFS[Pro1994=]GWPDSYSNRV

ClinVar aggregate classification (germline): Uncertain significance. Review status: criteria provided, multiple submitters, no conflicts (2 of 4 stars). 2 submissions from 2 submitters: Uncertain significance (2). Last evaluated 2025-08-26.

Conditions:
Imerslund-Grasbeck syndrome. Also called: PERNICIOUS ANEMIA, JUVENILE, DUE TO SELECTIVE INTESTINAL MALABSORPTION OF VITAMIN B12, WITH PROTEINURIA; Megaloblastic anemia due to inborn errors of metabolism; ENTEROCYTE COBALAMIN MALABSORPTION; ENTEROCYTE INTRINSIC FACTOR RECEPTOR, DEFECT OF; Imerslund-Gräsbeck syndrome. Identifiers: Orphanet 35858, MedGen C4551825, MONDO:0009853.
Proteinuria, chronic benign. Identifiers: MedGen C5394384, MONDO:0030042, OMIM 618884.
Imerslund-Grasbeck syndrome type 1 (IGS1). Also called: Imerslund-Gräsbeck syndrome 1; Megaloblastic anemia 1, Finnish type; MEGALOBLASTIC ANEMIA, 1. Identifiers: MedGen C4016819, MONDO:0100156, OMIM 261100.

Allele frequency attached by ClinVar (database versions not stated): gnomAD exomes 0.00007; 1000 Genomes Project 0.00020; gnomAD 0.00001 and 0.00003; ExAC 0.00005; 1000 Genomes Project 30x 0.00016; TOPMed 0.00007.
gnomAD v4.1: 55 of 1,613,926 alleles (0.0034%); highest among the groups gnomAD compares: East Asian, 0.033%; no homozygotes.

Submissions (2):

Labcorp Genetics (formerly Invitae), Labcorp
Classification: Uncertain significance for Imerslund-Grasbeck syndrome. Last evaluated: 2025-08-26. Review status: criteria provided, single submitter. Criteria: Invitae Variant Classification Sherloc (09022015). Collection method: clinical testing. Allele origin: germline.
Comment: This sequence change affects codon 1994 of the CUBN mRNA. It is a 'silent' change, meaning that it does not change the encoded amino acid sequence of the CUBN protein. This variant is present in population databases (rs560009723, gnomAD 0.05%). This variant has not been reported in the literature in individuals affected with CUBN-related conditions. ClinVar contains an entry for this variant (Variation ID: 1401828). Algorithms developed to predict the effect of sequence changes on RNA splicing suggest that this variant may create or strengthen a splice site. In summary, the available evidence is currently insufficient to determine the role of this variant in disease. Therefore, it has been classified as a Variant of Uncertain Significance.

Fulgent Genetics
Classification: Uncertain significance for Imerslund-Grasbeck syndrome type 1; Proteinuria, chronic benign. Last evaluated: 2021-11-12. Review status: criteria provided, single submitter. Criteria: ACMG Guidelines, 2015. Collection method: clinical testing. Allele origin: unknown.